The following is an entry in ClinVar:

ClinVar aggregate classification (germline): Conflicting classifications of pathogenicity. Review status: criteria provided, conflicting classifications (1 of 4 stars). 3 submissions from 3 submitters: Uncertain significance (2); Likely benign (1). Last evaluated 2026-02-18.

Conditions:
Hereditary cancer-predisposing syndrome. Also called: Neoplastic Syndromes, Hereditary; Hereditary neoplastic syndrome; Tumor predisposition; Hereditary Cancer Syndrome. Identifiers: Orphanet 140162, MedGen C0027672, MeSH D009386, MONDO:0015356.
POLD1-related polyposis and colorectal cancer syndrome (CRCS10). Also called: Colorectal cancer 10; COLORECTAL CANCER, SUSCEPTIBILITY TO, ON CHROMOSOME 19q; Colorectal cancer, susceptibility to, 10. Identifiers: Orphanet 220460, MedGen C2675481, MONDO:0012953, OMIM 612591.

Allele frequency attached by ClinVar (database versions not stated): gnomAD exomes below 0.00001.
gnomAD v4.1: 1 of 1,589,412 alleles (0.000063%); highest among the groups gnomAD compares: African/African-American, 0.0013%; no homozygotes.

Submissions (3):

Ambry Genetics
Classification: Uncertain significance for Hereditary cancer-predisposing syndrome. Last evaluated: 2026-02-18. Review status: criteria provided, single submitter. Criteria: Ambry Variant Classification Scheme 2023. Collection method: clinical testing. Allele origin: germline.
Comment: The c.1495-3C>T intronic variant results from a C to T substitution 3 nucleotides upstream from coding exon 12 in the POLD1 gene. This nucleotide position is highly conserved in available vertebrate species. In silico splice site analysis predicts that this alteration will not have any significant effect on splicing. Based on the available evidence, the clinical significance of this variant remains unclear.

Labcorp Genetics (formerly Invitae), Labcorp
Classification: Likely benign for POLD1-related polyposis and colorectal cancer syndrome. Last evaluated: 2024-08-01. Review status: criteria provided, single submitter. Criteria: Invitae Variant Classification Sherloc (09022015). Collection method: clinical testing. Allele origin: germline.

GeneDx
Classification: Uncertain significance. Last evaluated: 2019-11-21. Review status: criteria provided, single submitter. Criteria: GeneDx Variant Classification Process June 2021. Collection method: clinical testing. Allele origin: germline. Affected: yes.
Comment: Has not been previously published as pathogenic or benign to our knowledge; In silico analysis, which includes splice predictors and evolutionary conservation, supports that this variant does not alter protein structure/function; Not observed in large population cohorts (Lek 2016)

NM_002691.4(POLD1):c.1495-3C>T

Gene: POLD1 (DNA polymerase delta 1, catalytic subunit; plus strand). Cytogenetic location: 19q13.33.
Variant type: single nucleotide variant.
Coding change: c.1495-3C>T on transcript NM_002691.4 (MANE Select); 3 bases into the intron before coding-DNA position 1495, C replaced by T.
Molecular consequence: intron variant.
Genome position (GRCh38, 1-based): chr19:50,406,980, C>T. VCF-style: chr19-50406980-C-T. GRCh37 (hg19) VCF-style: chr19-50910237-C-T.
Other names: c.1495-3C>T (LRG_785t1, LRG_785t2, NM_001256849.1 and 1 more transcripts).
Identifiers: ClinVar variation 449857 (VCV000449857.16), dbSNP rs1555791320, ClinGen allele CA658658839.
Genomic context (GRCh38, chr19:50,406,980, plus strand): 5'-TTCTCCTGCTCCACCTCCCACCCCCAACCCCTGGTCCCTGACCCCATCCGTGCCCATCCC[C>T]AGAATGGGAACGACCAGACCCGCCGCCGCCTGGCTGTGTACTGCCTGAAGGATGCCTACC-3'